The following is an entry in ClinVar:

ClinVar aggregate classification (germline): Uncertain significance. Review status: criteria provided, multiple submitters, no conflicts (2 of 4 stars). 2 submissions from 2 submitters: Uncertain significance (2). Last evaluated 2025-03-17.

Conditions:
Retinal dystrophy. Also called: Inherited retinal dystrophy. Identifiers: Orphanet 71862, MedGen C0854723, MeSH D058499, MONDO:0019118, HP:0000556.

Allele frequency attached by ClinVar (database versions not stated): TOPMed 0.00001; gnomAD 0.00002.
gnomAD v4.1: 35 of 1,608,214 alleles (0.0022%); highest among the groups gnomAD compares: Non-Finnish European, 0.0017%; no homozygotes.

Submissions (2):

Labcorp Genetics (formerly Invitae), Labcorp
Classification: Uncertain significance. Last evaluated: 2025-03-17. Review status: criteria provided, single submitter. Criteria: Invitae Variant Classification Sherloc (09022015). Collection method: clinical testing. Allele origin: germline.
Comment: This sequence change replaces glycine, which is neutral and non-polar, with cysteine, which is neutral and slightly polar, at codon 26 of the ASRGL1 protein (p.Gly26Cys). This variant is present in population databases (rs751865225, gnomAD 0.02%). This variant has not been reported in the literature in individuals affected with ASRGL1-related conditions. ClinVar contains an entry for this variant (Variation ID: 1933545). An algorithm developed to predict the effect of missense changes on protein structure and function (PolyPhen-2) suggests that this variant is likely to be disruptive. In summary, the available evidence is currently insufficient to determine the role of this variant in disease. Therefore, it has been classified as a Variant of Uncertain Significance.

Department of Pathology and Laboratory Medicine, Sinai Health System
Classification: Uncertain significance for inherited retinal dystrophy. Last evaluated: 2021-09-02. Review status: criteria provided, single submitter. Criteria: ACMG Guidelines, 2015. Collection method: research. Allele origin: germline.

NM_001083926.2(ASRGL1):c.76G>T (p.Gly26Cys)

Gene: ASRGL1 (asparaginase and isoaspartyl peptidase 1; plus strand). Cytogenetic location: 11q12.3.
Variant type: single nucleotide variant.
Coding change: c.76G>T on transcript NM_001083926.2 (MANE Select); coding-DNA position 76, G replaced by T.
Protein change: p.Gly26Cys; replaces glycine 26 with cysteine.
Molecular consequence: missense variant.
Genome position (GRCh38, 1-based): chr11:62,338,053, G>T. VCF-style: chr11-62338053-G-T. GRCh37 (hg19) VCF-style: chr11-62105525-G-T.
Other names: c.76G>T, p.Gly26Cys (NM_025080.4); short protein forms G26C.
Identifiers: ClinVar variation 1933545 (VCV001933545.6), dbSNP rs751865225, ClinGen allele CA6043080.